The following is an entry in ClinVar:

NM_001297.5(CNGB1):c.3115G>A (p.Gly1039Arg)

Gene: CNGB1 (cyclic nucleotide gated channel subunit beta 1; minus strand). Cytogenetic location: 16q21.
Variant type: single nucleotide variant.
Coding change: c.3115G>A on transcript NM_001297.5 (MANE Select); coding-DNA position 3115, G replaced by A.
Protein change: p.Gly1039Arg; replaces glycine 1039 with arginine.
Molecular consequence: missense variant.
Genome position (GRCh38, 1-based): chr16:57,897,524, C>T on the plus strand (G>A on the coding strand, the complement: CNGB1 is on the minus strand). VCF-style: chr16-57897524-C-T. GRCh37 (hg19) VCF-style: chr16-57931428-C-T.
Other names: c.3097G>A, p.Gly1033Arg (NM_001286130.2); short protein forms G1039R, G1033R.
Identifiers: ClinVar variation 196674 (VCV000196674.66), dbSNP rs148999583, ClinGen allele CA202504.

ClinVar aggregate classification (germline): Conflicting classifications of pathogenicity. Review status: criteria provided, conflicting classifications (1 of 4 stars). 12 submissions from 12 submitters: Uncertain significance (3); Likely benign (6). 3 of the submissions do not count toward it. Last evaluated 2026-02-01.

Conditions:
CNGB1-related retinopathy. Identifiers: MedGen CN322609, MONDO:0800403.
CNGB1-related disorder. Also called: CNGB1-related condition.
Inborn genetic diseases. Identifiers: MedGen C0950123, MeSH D030342.
Retinitis pigmentosa (RP). Identifiers: Orphanet 791, MedGen C0035334, MeSH D012174, MONDO:0019200, OMIM 268000. Inheritance: Autosomal dominant, autosomal recessive and X linked inheritance.

Allele frequency attached by ClinVar (database versions not stated): 1000 Genomes Project 0.00160; 1000 Genomes Project 30x 0.00219; ExAC 0.00325; gnomAD exomes 0.00355 and 0.00599; gnomAD 0.00372 and 0.00376; TOPMed 0.00393; ESP Exome Variant Server 0.00412.
gnomAD v4.1: 9,309 of 1,614,098 alleles (0.58%); highest among the groups gnomAD compares: Non-Finnish European, 0.7%; 38 homozygotes.

Submissions (12):

Labcorp Genetics (formerly Invitae), Labcorp
Classification: Likely benign. Last evaluated: 2026-02-01. Review status: criteria provided, single submitter. Criteria: Invitae Variant Classification Sherloc (09022015). Collection method: clinical testing. Allele origin: germline.

CeGaT Center for Human Genetics Tuebingen
Classification: Likely benign. Last evaluated: 2025-06-01. Review status: criteria provided, single submitter. Criteria: CeGaT Center For Human Genetics Tuebingen Variant Classification Criteria Version 2. Collection method: clinical testing. Allele origin: germline. Affected: yes. Observed: 2 variant alleles.
Comment: CNGB1: BS2

Blueprint Genetics
Classification: Likely benign. Last evaluated: 2024-11-25. Review status: criteria provided, single submitter. Criteria: ACMG Guidelines, 2015. Collection method: clinical testing. Allele origin: germline.

Ambry Genetics
Classification: Uncertain significance for Inborn genetic diseases. Last evaluated: 2021-09-16. Review status: criteria provided, single submitter. Criteria: Ambry Variant Classification Scheme 2023. Collection method: clinical testing. Allele origin: germline.

Department of Pathology and Laboratory Medicine, Sinai Health System
Classification: Likely benign for CNGB1-related retinopathy. Last evaluated: 2021-07-30. Review status: criteria provided, single submitter. Criteria: ACMG Guidelines, 2015. Collection method: research. Allele origin: germline.

Mendelics
Classification: Likely benign for Retinitis pigmentosa. Last evaluated: 2019-05-28. Review status: criteria provided, single submitter. Criteria: Mendelics Assertion Criteria 2017. Collection method: clinical testing. Allele origin: unknown.

Illumina Laboratory Services, Illumina
Classification: Uncertain significance for Retinitis pigmentosa. Last evaluated: 2018-01-13. Review status: criteria provided, single submitter. Criteria: ICSL Variant Classification Criteria 13 December 2019. Collection method: clinical testing. Allele origin: germline.

GeneDx
Classification: Uncertain significance. Last evaluated: 2017-04-17. Review status: criteria provided, single submitter. Criteria: GeneDx Variant Classification (06012015). Collection method: clinical testing. Allele origin: germline. Affected: yes.
Comment: The c.3115 G>A variant in the CNGB1 gene has not been reported previously as a pathogenic variant nor as a benign variant, to our knowledge. The c.3115 G>A variant is observed in 301/66256 (0.45%) alleles from individuals of European background, including one homozygous individual, in the ExAC dataset (Lek et al., 2016). In-silico splice models predict that c.3115 G>A may create a cryptic splice acceptor site that could supplant the natural splice acceptor site. However, in the absence of RNA/functional studies, the actual effect of the c.3115 G>A change in this individual is unknown. If c.3115 G>A does not alter splicing, it will result in the G1039R missense change. The G1039R variant is a non-conservative amino acid substitution, which is likely to impact secondary protein structure as these residues differ in polarity, charge, size and/or other properties. This substitution occurs at a position that is conserved across species. In silico analysis predicts this variant is probably damaging to the protein structure/function. We interpret c.3115 G>A as a variant of uncertain significance.

Eurofins Ntd Llc (ga)
Classification: Likely benign. Last evaluated: 2014-10-03. Review status: criteria provided, single submitter. Criteria: EGL Classification Definitions 2015. Collection method: clinical testing. Allele origin: germline. Observed: 1 variant allele, 1 heterozygote.

PreventionGenetics, part of Exact Sciences
Classification: Likely benign for CNGB1-related condition. Last evaluated: 2019-09-12. Review status: no assertion criteria provided. Collection method: clinical testing. Allele origin: germline. Not counted in ClinVar's aggregate classification.
Comment: This variant is classified as likely benign based on ACMG/AMP sequence variant interpretation guidelines (Richards et al. 2015 PMID: 25741868, with internal and published modifications).

Clinical Genetics DNA and cytogenetics Diagnostics Lab, Erasmus MC, Erasmus Medical Center
Classification: Likely benign. Review status: no assertion criteria provided. Collection method: clinical testing. Allele origin: germline. Affected: yes. Study: VKGL Data-share Consensus. Not counted in ClinVar's aggregate classification.

Clinical Genetics, Academic Medical Center
Classification: Likely benign. Review status: no assertion criteria provided. Collection method: clinical testing. Allele origin: germline. Affected: yes. Study: VKGL Data-share Consensus. Not counted in ClinVar's aggregate classification.